The following is an entry in ClinVar:

NM_033517.1:c.2524C>A

Gene: SHANK3 (SH3 and multiple ankyrin repeat domains 3; plus strand).
Variant type: single nucleotide variant.
Other names: c.2524C>A (NM_033517.1).
Identifiers: ClinVar variation 4539922 (VCV004539922.1).

ClinVar aggregate classification (germline): Uncertain significance (1 of 4 stars; one submission).

Submission:

GeneDx
Classification: Uncertain significance. Last evaluated: 2025-06-28. Review status: criteria provided, single submitter. Criteria: GeneDx Variant Classification Process June 2021. Collection method: clinical testing. Allele origin: germline. Affected: yes.
Comment: Not observed at significant frequency in large population cohorts (gnomAD); Has not been previously published as pathogenic or benign to our knowledge; In silico analysis does not support a benign or deleterious effect of this variant on protein structure/function